The following is an entry in ClinVar:

NM_019014.6(POLR1B):c.963G>T (p.Glu321Asp)

Gene: POLR1B (RNA polymerase I subunit B; plus strand). Cytogenetic location: 2q14.1.
Variant type: single nucleotide variant.
Coding change: c.963G>T on transcript NM_019014.6 (MANE Select); coding-DNA position 963, G replaced by T.
Protein change: p.Glu321Asp; replaces glutamic acid 321 with aspartic acid.
Molecular consequence: missense variant.
Genome position (GRCh38, 1-based): chr2:112,551,975, G>T. VCF-style: chr2-112551975-G-T. GRCh37 (hg19) VCF-style: chr2-113309552-G-T.
Other names: c.795G>T, p.Glu265Asp (NM_001137604.3); c.1077G>T, p.Glu359Asp (NM_001282772.2); c.963G>T, p.Glu321Asp (NM_001282774.2, NM_001371969.1); c.330G>T, p.Glu110Asp (NM_001282776.2, NM_001371971.1); c.546G>T, p.Glu182Asp (NM_001282777.2, NM_001282779.2, NM_001371970.1); short protein forms E110D, E182D, E265D, E321D, E359D.
Identifiers: ClinVar variation 5019340 (VCV005019340.2).

ClinVar aggregate classification (germline): Uncertain significance (1 of 4 stars; one submission).

Conditions:
Treacher Collins syndrome 4. Identifiers: MedGen C5394546, MONDO:0030067, OMIM 618939.

Submission:

Juno Genomics, Hangzhou Juno Genomics, Inc
Classification: Uncertain significance for Treacher Collins syndrome 4. Review status: criteria provided, single submitter. Criteria: ACMG Guidelines, 2015. Collection method: clinical testing. Allele origin: germline.
Comment: Absent from controls (or at extremely low frequency if recessive) in Genome Aggregation Database.;Missense variant in a gene that has a low rate of benign missense variation.;Multiple lines of computational evidence suggest no impact on gene or gene product.